The following is an entry in ClinVar:

ClinVar aggregate classification (germline): Uncertain significance (1 of 4 stars; one submission).

Allele frequency attached by ClinVar (database versions not stated): gnomAD 0.00001.

Submission:

Ambry Genetics
Classification: Uncertain significance. Last evaluated: 2022-03-17. Review status: criteria provided, single submitter. Criteria: Ambry Variant Classification Scheme 2023. Collection method: clinical testing. Allele origin: germline.
Comment: The p.P69H variant (also known as c.206C>A), located in coding exon 2 of the MYLK2 gene, results from a C to A substitution at nucleotide position 206. The proline at codon 69 is replaced by histidine, an amino acid with similar properties. This amino acid position is conserved. In addition, this alteration is predicted to be tolerated by in silico analysis. Since supporting evidence is limited at this time, the clinical significance of this alteration remains unclear.

NM_033118.4(MYLK2):c.206C>A (p.Pro69His)

Gene: MYLK2 (myosin light chain kinase 2; plus strand). Cytogenetic location: 20q11.21.
Variant type: single nucleotide variant.
Coding change: c.206C>A on transcript NM_033118.4 (MANE Select); coding-DNA position 206, C replaced by A.
Protein change: p.Pro69His; replaces proline 69 with histidine.
Molecular consequence: missense variant.
Genome position (GRCh38, 1-based): chr20:31,820,279, C>A. VCF-style: chr20-31820279-C-A. GRCh37 (hg19) VCF-style: chr20-30408082-C-A.
Other names: short protein forms P69H.
Identifiers: ClinVar variation 1785344 (VCV001785344.2), dbSNP rs1404432306, ClinGen allele CA408525132.